The following is an entry in ClinVar:

ClinVar aggregate classification (germline): Uncertain significance (1 of 4 stars; one submission).

Conditions:
Catecholaminergic polymorphic ventricular tachycardia 1. Also called: VENTRICULAR TACHYCARDIA, CATECHOLAMINERGIC POLYMORPHIC, 1, WITH OR WITHOUT ATRIAL DYSFUNCTION AND/OR DILATED CARDIOMYOPATHY; VENTRICULAR TACHYCARDIA, STRESS-INDUCED POLYMORPHIC 1; RYR2-Related Catecholaminergic Polymorphic Ventricular Tachycardia. Identifiers: Orphanet 3286, MedGen C1631597, MONDO:0011484, OMIM 604772.

Allele frequency attached by ClinVar (database versions not stated): gnomAD exomes below 0.00001.
gnomAD v4.1: 1 of 1,280,588 alleles (0.000078%); highest among the groups gnomAD compares: Non-Finnish European, 0.00011%; no homozygotes.

Submission:

Labcorp Genetics (formerly Invitae), Labcorp
Classification: Uncertain significance for Catecholaminergic polymorphic ventricular tachycardia 1. Last evaluated: 2022-03-23. Review status: criteria provided, single submitter. Criteria: Invitae Variant Classification Sherloc (09022015). Collection method: clinical testing. Allele origin: germline.
Comment: In summary, the available evidence is currently insufficient to determine the role of this variant in disease. Therefore, it has been classified as a Variant of Uncertain Significance. Algorithms developed to predict the effect of sequence changes on RNA splicing suggest that this variant may disrupt the consensus splice site. ClinVar contains an entry for this variant (Variation ID: 846774). This variant has not been reported in the literature in individuals affected with TRDN-related conditions. This variant is not present in population databases (gnomAD no frequency). This sequence change falls in intron 25 of the TRDN gene. It does not directly change the encoded amino acid sequence of the TRDN protein.

NM_006073.4(TRDN):c.1538-7T>G

Gene: TRDN (triadin; minus strand). Cytogenetic location: 6q22.31.
Variant type: single nucleotide variant.
Coding change: c.1538-7T>G on transcript NM_006073.4 (MANE Select); 7 bases into the intron before coding-DNA position 1538, T replaced by G.
Molecular consequence: intron variant.
Genome position (GRCh38, 1-based): chr6:123,278,354, A>C on the plus strand (T>G on the coding strand, the complement: TRDN is on the minus strand). VCF-style: chr6-123278354-A-C. GRCh37 (hg19) VCF-style: chr6-123599499-A-C.
Identifiers: ClinVar variation 846774 (VCV000846774.11), dbSNP rs1777452285, ClinGen allele CA916082896.
Genomic context (GRCh38, chr6:123,278,354, plus strand): 5'-TGTGTATAAATAAAATATACATACCTGGCTTCTCTTCCTTTTTTCCTTGTAGTTCTAAAA[A>C]TATAGATGAACATTAGTAACAATGATTATAGAAAGATATTCATTTCCTATATACTTGTGC-3'